The following is an entry in ClinVar:

NM_022051.3(EGLN1):c.826A>G (p.Met276Val)

Genes: EGLN1 (egl-9 family hypoxia inducible factor 1; minus strand), LOC129932769 (ATAC-STARR-seq lymphoblastoid active region 2730; plus strand). Cytogenetic location: 1q42.2.
Variant type: single nucleotide variant.
Coding change: c.826A>G on transcript NM_022051.3 (MANE Select); coding-DNA position 826, A replaced by G.
Protein change: p.Met276Val; replaces methionine 276 with valine.
Molecular consequence: missense variant.
Genome position (GRCh38, 1-based): chr1:231,421,063, T>C on the plus strand (A>G on the coding strand, the complement: EGLN1 is on the minus strand). VCF-style: chr1-231421063-T-C. GRCh37 (hg19) VCF-style: chr1-231556809-T-C.
Other names: c.826A>G (NM_022051.2); c.826A>G, p.Met276Val (NM_001377260.1, NM_001377261.1); short protein forms M276V.
Identifiers: ClinVar variation 2151920 (VCV002151920.7), dbSNP rs2527358404, ClinGen allele CA345235034.

ClinVar aggregate classification (germline): Uncertain significance. Review status: criteria provided, multiple submitters, no conflicts (2 of 4 stars). 2 submissions from 2 submitters: Uncertain significance (2). Last evaluated 2022-10-26.

Conditions:
Erythrocytosis, familial, 3 (ECYT3). Identifiers: Orphanet 247511, MedGen C1853286, MONDO:0012353, OMIM 609820.

Submissions (2):

Labcorp Genetics (formerly Invitae), Labcorp
Classification: Uncertain significance for Erythrocytosis, familial, 3. Last evaluated: 2022-10-26. Review status: criteria provided, single submitter. Criteria: Invitae Variant Classification Sherloc (09022015). Collection method: clinical testing. Allele origin: germline.
Comment: This sequence change replaces methionine, which is neutral and non-polar, with valine, which is neutral and non-polar, at codon 276 of the EGLN1 protein (p.Met276Val). This variant is not present in population databases (gnomAD no frequency). This missense change has been observed in individual(s) with EGLN1-related conditions (PMID: 29790589). Algorithms developed to predict the effect of missense changes on protein structure and function (SIFT, PolyPhen-2, Align-GVGD) all suggest that this variant is likely to be tolerated. In summary, the available evidence is currently insufficient to determine the role of this variant in disease. Therefore, it has been classified as a Variant of Uncertain Significance.

Revvity Omics, Revvity
Classification: Uncertain significance. Last evaluated: 2021-09-02. Review status: criteria provided, single submitter. Criteria: ACMG Guidelines, 2015. Collection method: clinical testing. Allele origin: germline.

Literature cited by the submitters: PubMed 29790589 (cited by Labcorp Genetics (formerly Invitae), Labcorp).